The following is an entry in ClinVar:

ClinVar aggregate classification (germline): Uncertain significance. Review status: criteria provided, multiple submitters, no conflicts (2 of 4 stars). 4 submissions from 4 submitters: Uncertain significance (4). Last evaluated 2025-09-22.

Conditions:
Endometrial carcinoma. Also called: Endometrial carcinoma, somatic. Identifiers: MedGen C0476089, MONDO:0002447, OMIM 608089, HP:0012114.
Hereditary cancer-predisposing syndrome. Also called: Neoplastic Syndromes, Hereditary; Tumor predisposition; Hereditary Cancer Syndrome; Hereditary neoplastic syndrome. Identifiers: Orphanet 140162, MedGen C0027672, MeSH D009386, MONDO:0015356.

Allele frequency attached by ClinVar (database versions not stated): ExAC 0.00001.
gnomAD v4.1: 2 of 1,611,642 alleles (0.00012%); highest among the groups gnomAD compares: Admixed American, 0.0033%; no homozygotes.

Submissions (4):

Labcorp Genetics (formerly Invitae), Labcorp
Classification: Uncertain significance. Last evaluated: 2025-09-22. Review status: criteria provided, single submitter. Criteria: Invitae Variant Classification Sherloc (09022015). Collection method: clinical testing. Allele origin: germline.
Comment: This sequence change replaces phenylalanine, which is neutral and non-polar, with leucine, which is neutral and non-polar, at codon 639 of the MSH3 protein (p.Phe639Leu). This variant is present in population databases (rs773818431, gnomAD 0.006%). This variant has not been reported in the literature in individuals affected with MSH3-related conditions. ClinVar contains an entry for this variant (Variation ID: 653479). An algorithm developed to predict the effect of missense changes on protein structure and function (PolyPhen-2) suggests that this variant is likely to be tolerated. In summary, the available evidence is currently insufficient to determine the role of this variant in disease. Therefore, it has been classified as a Variant of Uncertain Significance.

Ambry Genetics
Classification: Uncertain significance for Hereditary cancer-predisposing syndrome. Last evaluated: 2024-09-21. Review status: criteria provided, single submitter. Criteria: Ambry Variant Classification Scheme 2023. Collection method: clinical testing. Allele origin: germline.
Comment: The p.F639L variant (also known as c.1917C>G), located in coding exon 14 of the MSH3 gene, results from a C to G substitution at nucleotide position 1917. The phenylalanine at codon 639 is replaced by leucine, an amino acid with highly similar properties. This amino acid position is well conserved in available vertebrate species. In addition, the in silico prediction for this alteration is inconclusive. Since supporting evidence is limited at this time, the clinical significance of this alteration remains unclear.

Baylor Genetics
Classification: Uncertain significance for Endometrial carcinoma. Last evaluated: 2023-12-15. Review status: criteria provided, single submitter. Criteria: ACMG Guidelines, 2015. Collection method: clinical testing. Allele origin: unknown.

Sema4
Classification: Uncertain significance for Hereditary cancer-predisposing syndrome. Last evaluated: 2021-08-23. Review status: criteria provided, single submitter. Criteria: Sema4 Curation Guidelines. Collection method: curation. Allele origin: germline.
Comment: The MSH3 c.1917C>G (p.F639L) variant has not been reported in the literature to our knowledge. It was observed in 2/34570 chromosomes of the Latino subpopulation in the large and broad cohorts of the Genome Aggregation Database (PMID: 32461654). The variant has been reported in ClinVar (Variation ID: 653479). Functional studies have not been performed, and in silico predictions of the variant's effect on protein function are inconclusive. The evidence is insufficient to meet ACMG/AMP criteria for classifying the variant as benign or pathogenic. Thus, the clinical significance of this variant is currently uncertain.

NM_002439.5(MSH3):c.1917C>G (p.Phe639Leu)

Gene: MSH3 (mutS homolog 3; plus strand). Cytogenetic location: 5q14.1.
Variant type: single nucleotide variant.
Coding change: c.1917C>G on transcript NM_002439.5 (MANE Select); coding-DNA position 1917, C replaced by G.
Protein change: p.Phe639Leu; replaces phenylalanine 639 with leucine.
Molecular consequence: missense variant.
Genome position (GRCh38, 1-based): chr5:80,767,953, C>G. VCF-style: chr5-80767953-C-G. GRCh37 (hg19) VCF-style: chr5-80063772-C-G.
Other names: short protein forms F639L.
Identifiers: ClinVar variation 653479 (VCV000653479.17), dbSNP rs773818431, ClinGen allele CA3328101.